The following is an entry in ClinVar:

NM_007144.3(PCGF2):c.478A>C (p.Lys160Gln)

Gene: PCGF2 (polycomb group ring finger 2; minus strand). Cytogenetic location: 17q12.
Variant type: single nucleotide variant.
Coding change: c.478A>C on transcript NM_007144.3 (MANE Select); coding-DNA position 478, A replaced by C.
Protein change: p.Lys160Gln; replaces lysine 160 with glutamine.
Molecular consequence: missense variant.
Genome position (GRCh38, 1-based): chr17:38,738,543, T>G on the plus strand (A>C on the coding strand, the complement: PCGF2 is on the minus strand). VCF-style: chr17-38738543-T-G. GRCh37 (hg19) VCF-style: chr17-36894796-T-G.
Other names: c.478A>C, p.Lys160Gln (NM_001369614.1, NM_001369615.1); short protein forms K160Q.
Identifiers: ClinVar variation 4071803 (VCV004071803.1).

ClinVar aggregate classification (germline): Uncertain significance (1 of 4 stars; one submission).

gnomAD v4.1: 1 of 1,603,618 alleles (0.000062%); no homozygotes.

Submission:

GeneDx
Classification: Uncertain significance. Last evaluated: 2025-01-23. Review status: criteria provided, single submitter. Criteria: GeneDx Variant Classification Process June 2021. Collection method: clinical testing. Allele origin: germline. Affected: yes.
Comment: Not observed at significant frequency in large population cohorts (gnomAD); In silico analysis indicates that this missense variant does not alter protein structure/function; Has not been previously published as pathogenic or benign to our knowledge